The following is an entry in ClinVar:

ClinVar aggregate classification (germline): Uncertain significance (1 of 4 stars; one submission).

Submission:

Labcorp Genetics (formerly Invitae), Labcorp
Classification: Uncertain significance. Last evaluated: 2022-08-10. Review status: criteria provided, single submitter. Criteria: Invitae Variant Classification Sherloc (09022015). Collection method: clinical testing. Allele origin: germline.
Comment: In summary, the available evidence is currently insufficient to determine the role of this variant in disease. Therefore, it has been classified as a Variant of Uncertain Significance. Advanced modeling of protein sequence and biophysical properties (such as structural, functional, and spatial information, amino acid conservation, physicochemical variation, residue mobility, and thermodynamic stability) performed at Invitae indicates that this missense variant is not expected to disrupt LRP2 protein function. This variant has not been reported in the literature in individuals affected with LRP2-related conditions. This variant is not present in population databases (gnomAD no frequency). This sequence change replaces proline, which is neutral and non-polar, with threonine, which is neutral and polar, at codon 4615 of the LRP2 protein (p.Pro4615Thr).

NM_004525.3(LRP2):c.13843C>A (p.Pro4615Thr)

Gene: LRP2 (LDL receptor related protein 2; minus strand). Cytogenetic location: 2q31.1.
Variant type: single nucleotide variant.
Coding change: c.13843C>A on transcript NM_004525.3 (MANE Select); coding-DNA position 13843, C replaced by A.
Protein change: p.Pro4615Thr; replaces proline 4615 with threonine.
Molecular consequence: missense variant.
Genome position (GRCh38, 1-based): chr2:169,128,788, G>T on the plus strand (C>A on the coding strand, the complement: LRP2 is on the minus strand). VCF-style: chr2-169128788-G-T. GRCh37 (hg19) VCF-style: chr2-169985298-G-T.
Other names: short protein forms P4615T.
Identifiers: ClinVar variation 1716040 (VCV001716040.4), dbSNP rs965856608, ClinGen allele CA59911137.